The following is an entry in ClinVar:

NM_002047.4(GARS1):c.17C>T (p.Pro6Leu)

Gene: GARS1 (glycyl-tRNA synthetase 1; plus strand). Cytogenetic location: 7p14.3.
Variant type: single nucleotide variant.
Coding change: c.17C>T on transcript NM_002047.4 (MANE Select); coding-DNA position 17, C replaced by T.
Protein change: p.Pro6Leu; replaces proline 6 with leucine.
Molecular consequence: missense variant. On other transcripts: 5 prime UTR variant (1).
Genome position (GRCh38, 1-based): chr7:30,594,938, C>T. VCF-style: chr7-30594938-C-T. GRCh37 (hg19) VCF-style: chr7-30634554-C-T.
Other names: c.-146C>T (NM_001316772.1); short protein forms P6L.
Identifiers: ClinVar variation 2021700 (VCV002021700.4), dbSNP rs1167760411, ClinGen allele CA367138400.

ClinVar aggregate classification (germline): Uncertain significance (1 of 4 stars; one submission).

Conditions:
Charcot-Marie-Tooth disease type 2. Also called: Charcot-Marie-Tooth type 2. Identifiers: Orphanet 64746, MedGen C0270914, MONDO:0018993.

Submission:

Labcorp Genetics (formerly Invitae), Labcorp
Classification: Uncertain significance for Charcot-Marie-Tooth disease type 2. Last evaluated: 2022-08-05. Review status: criteria provided, single submitter. Criteria: Invitae Variant Classification Sherloc (09022015). Collection method: clinical testing. Allele origin: germline.
Comment: In summary, the available evidence is currently insufficient to determine the role of this variant in disease. Therefore, it has been classified as a Variant of Uncertain Significance. Algorithms developed to predict the effect of missense changes on protein structure and function are either unavailable or do not agree on the potential impact of this missense change (SIFT: "Tolerated"; PolyPhen-2: "Not Available"; Align-GVGD: "Class C0"). This variant has not been reported in the literature in individuals affected with GARS-related conditions. This variant is not present in population databases (gnomAD no frequency). This sequence change replaces proline, which is neutral and non-polar, with leucine, which is neutral and non-polar, at codon 6 of the GARS protein (p.Pro6Leu).